The following is an entry in ClinVar:

NM_014754.3(PTDSS1):c.806C>T (p.Pro269Leu)

Gene: PTDSS1 (phosphatidylserine synthase 1; plus strand). Cytogenetic location: 8q22.1.
Variant type: single nucleotide variant.
Coding change: c.806C>T on transcript NM_014754.3 (MANE Select); coding-DNA position 806, C replaced by T.
Protein change: p.Pro269Leu; replaces proline 269 with leucine.
Molecular consequence: missense variant.
Genome position (GRCh38, 1-based): chr8:96,304,093, C>T. VCF-style: chr8-96304093-C-T. GRCh37 (hg19) VCF-style: chr8-97316321-C-T.
Other names: c.368C>T, p.Pro123Leu (NM_001290225.2); short protein forms P123L, P269L.
Identifiers: ClinVar variation 3777039 (VCV003777039.1).

ClinVar aggregate classification (germline): Pathogenic (0 of 4 stars; one submission).

Conditions:
Lenz-Majewski hyperostosis syndrome (LMHD). Also called: PTDSS1-Related Lenz-Majewski Hyperostotic Dysplasia; LENZ-MAJEWSKI SYNDROME; Lenz-Majewski hyperostotic dysplasia; Multiple congenital anomalies, mental retardation and progressive skeletal sclerosis; Hyperostotic dwarfism Lenz-Majewski type. Identifiers: Orphanet 2658, MedGen C0432269, MONDO:0007892, OMIM 151050.

Submission:

Pediatric Department, The Affiliated Women and Children's Hospital of Ningbo University
Classification: Pathogenic for Lenz-Majewski hyperostosis syndrome. Last evaluated: 2025-03-20. Review status: no assertion criteria provided. Collection method: clinical testing. Allele origin: de novo. Inheritance: Autosomal dominant inheritance. Affected: yes.
Comment: The NM_014754.3 (PTDSS1):c.806C>T (p.Pro269Leu) variant is classified as Pathogenic for Lenz-Majewski Syndrome by applying ACMG/AMP evidence codes PM2_Supporting, PS2, PP3_Moderate, PP4. The supporting evidence is as follows: PM2_Supporting: this variant is a rare mutation and is not present in population databases (1000 Genomes, ExAC, gnomAD and dbSNP). PS2: the variant is not carried by parents and is observed to be de novo. PP3_moderate: In silico tool predictions suggest damaging effect of the variant on gene or gene product (REVEL: 0.82, ClinPred: 0.9999). PP4: The phenotype of pediatric patient is highly consistent with the trait of Lenz-Majewski syndrome.